The following is an entry in ClinVar:

ClinVar aggregate classification (germline): Uncertain significance (1 of 4 stars; one submission).

Conditions:
Hereditary cancer-predisposing syndrome. Also called: Hereditary Cancer Syndrome; Neoplastic Syndromes, Hereditary; Tumor predisposition; Hereditary neoplastic syndrome. Identifiers: Orphanet 140162, MedGen C0027672, MeSH D009386, MONDO:0015356.

Submission:

Ambry Genetics
Classification: Uncertain significance for Hereditary cancer-predisposing syndrome. Last evaluated: 2021-07-26. Review status: criteria provided, single submitter. Criteria: Ambry Variant Classification Scheme 2023. Collection method: clinical testing. Allele origin: germline.
Comment: The p.T517S variant (also known as c.1550C>G), located in coding exon 14 of the CHEK2 gene, results from a C to G substitution at nucleotide position 1550. The threonine at codon 517 is replaced by serine, an amino acid with similar properties. This amino acid position is highly conserved in available vertebrate species. In addition, this alteration is predicted to be tolerated by in silico analysis. Since supporting evidence is limited at this time, the clinical significance of this alteration remains unclear.

NM_007194.4(CHEK2):c.1550C>G (p.Thr517Ser)

Gene: CHEK2 (checkpoint kinase 2; minus strand). Cytogenetic location: 22q12.1.
Variant type: single nucleotide variant.
Coding change: c.1550C>G on transcript NM_007194.4 (MANE Select); coding-DNA position 1550, C replaced by G.
Protein change: p.Thr517Ser; replaces threonine 517 with serine.
Molecular consequence: missense variant.
Genome position (GRCh38, 1-based): chr22:28,687,979, G>C on the plus strand (C>G on the coding strand, the complement: CHEK2 is on the minus strand). VCF-style: chr22-28687979-G-C. GRCh37 (hg19) VCF-style: chr22-29083967-G-C.
Other names: c.1679C>G, p.Thr560Ser (NM_001005735.3); c.887C>G, p.Thr296Ser (NM_001257387.3); c.1349C>G, p.Thr450Ser (NM_001349956.3); c.1463C>G, p.Thr488Ser (NM_145862.3); short protein forms T517S, T488S, T560S, T296S, T450S.
Identifiers: ClinVar variation 479593 (VCV000479593.5), dbSNP rs1555911629, ClinGen allele CA411091465.
Genomic context (GRCh38, chr22:28,687,979, plus strand): 5'-GCTGGGCGCTTTGTGGTCTCGGCACCCTCGGCTTCCCCTTCACGGGGCCGCTTTCGACTA[G>C]TAGAAGGCTGAAAATAAAGGAAAATGGAGAAATGTTCAAAAGAAAATCACTGGCTTCTTT-3'
Protein context (NP_009125.1, residues 507-527): ALPQVLAQPS[Thr517Ser]SRKRPREGEA